The following is an entry in ClinVar:

ClinVar aggregate classification (germline): Uncertain significance (1 of 4 stars; one submission).

Allele frequency attached by ClinVar (database versions not stated): TOPMed 0.00002; ExAC 0.00008; ESP Exome Variant Server 0.00008.

Submission:

Labcorp Genetics (formerly Invitae), Labcorp
Classification: Uncertain significance. Last evaluated: 2025-06-04. Review status: criteria provided, single submitter. Criteria: Invitae Variant Classification Sherloc (09022015). Collection method: clinical testing. Allele origin: germline.
Comment: This sequence change replaces arginine, which is basic and polar, with histidine, which is basic and polar, at codon 1224 of the SIN3A protein (p.Arg1224His). This variant is present in population databases (rs148486660, gnomAD 0.04%), and has an allele count higher than expected for a pathogenic variant. This variant has not been reported in the literature in individuals affected with SIN3A-related conditions. ClinVar contains an entry for this variant (Variation ID: 2153463). Invitae Evidence Modeling of protein sequence and biophysical properties (such as structural, functional, and spatial information, amino acid conservation, physicochemical variation, residue mobility, and thermodynamic stability) indicates that this missense variant is not expected to disrupt SIN3A protein function with a negative predictive value of 80%. In summary, the available evidence is currently insufficient to determine the role of this variant in disease. Therefore, it has been classified as a Variant of Uncertain Significance.

NM_001145358.2(SIN3A):c.3671G>A (p.Arg1224His)

Gene: SIN3A (SIN3 transcription regulator family member A; minus strand). Cytogenetic location: 15q24.2.
Variant type: single nucleotide variant.
Coding change: c.3671G>A on transcript NM_001145358.2 (MANE Select); coding-DNA position 3671, G replaced by A.
Protein change: p.Arg1224His; replaces arginine 1224 with histidine.
Molecular consequence: missense variant.
Genome position (GRCh38, 1-based): chr15:75,372,130, C>T on the plus strand (G>A on the coding strand, the complement: SIN3A is on the minus strand). VCF-style: chr15-75372130-C-T. GRCh37 (hg19) VCF-style: chr15-75664471-C-T.
Other names: c.3671G>A, p.Arg1224His (NM_001145357.2, NM_015477.3); short protein forms R1224H.
Identifiers: ClinVar variation 2153463 (VCV002153463.4), dbSNP rs148486660, ClinGen allele CA7667178.
Genomic context (GRCh38, chr15:75,372,130, plus strand): 5'-GGCACCAGGCCCTCCAGCCCCTCACCCATGAGCCACTTGCTGGTCTCTGCTGCCATTTCA[C>T]GGGGCACATGCTCCTTGGTCCATTTATCTACCCAGGCCTGGAATCTCTGATGTAGACGCT-3'
Protein context (NP_001138830.1, residues 1214-1234): VDKWTKEHVP[Arg1224His]EMAAETSKWL